The following is an entry in ClinVar:

NC_000011.9:g.(34953032_34969052)_(34999730_35006116)del

Gene: PDHX (pyruvate dehydrogenase complex component X; plus strand). Cytogenetic location: 11p13.
Variant type: Deletion.
Identifiers: ClinVar variation 1722384 (VCV001722384.1).

ClinVar aggregate classification (germline): Likely pathogenic (1 of 4 stars; one submission).

Conditions:
Pyruvate dehydrogenase E3-binding protein deficiency (PDHXD). Also called: E3-Binding Protein (Component X) Deficiency; LACTIC ACIDEMIA DUE TO DEFECT IN LIPOYL-CONTAINING COMPONENT X OF THE PYRUVATE DEHYDROGENASE COMPLEX; Lacticacidemia due to PDX1 deficiency; PYRUVATE HYDROGENASE E3-BINDING PROTEIN DEFICIENCY. Identifiers: Orphanet 255182, MedGen C1855553, MONDO:0009503, OMIM 245349.

Submission:

Women's Health and Genetics/Laboratory Corporation of America, LabCorp
Classification: Likely pathogenic for Pyruvate dehydrogenase E3-binding protein deficiency. Last evaluated: 2022-09-12. Review status: criteria provided, single submitter. Criteria: LabCorp Variant Classification Summary - May 2015. Collection method: clinical testing. Allele origin: germline.
Comment: Variant summary: The variant identified by MLPA or other technology involves the deletion of exons 3-8 in the PDHX gene. A presumed nomenclature of c.(241+1_242-1)_(1023+1_1024-1)del has been designated for the purposes of this classification. Although exact breakpoints of this deletion are not known, it is expected to result in a frameshift in the PDHX gene, a known mechanism of disease. The variant was absent in 21694 control chromosomes (gnomAD SVs). To our knowledge, no occurrence of c.(241+1_242-1)_(1023+1_1024-1)del in individuals affected with Pyruvate Dehydrogenase E3-Binding Protein Deficiency and no experimental evidence demonstrating its impact on protein function have been reported. No clinical diagnostic laboratories have submitted clinical-significance assessments for this variant to ClinVar after 2014. Based on the evidence outlined above, the variant was classified as likely pathogenic.